The following is an entry in ClinVar:

ClinVar aggregate classification (germline): Uncertain significance. Review status: criteria provided, multiple submitters, no conflicts (2 of 4 stars). 2 submissions from 2 submitters: Uncertain significance (2). Last evaluated 2024-08-28.

Conditions:
Hereditary cancer-predisposing syndrome. Also called: Tumor predisposition; Hereditary neoplastic syndrome; Neoplastic Syndromes, Hereditary; Hereditary Cancer Syndrome. Identifiers: Orphanet 140162, MedGen C0027672, MeSH D009386, MONDO:0015356.
BAP1-related tumor predisposition syndrome (TPDS1). Also called: Tumor susceptibility linked to germline BAP1 mutations; TUMOR PREDISPOSITION SYNDROME 1; COMMON Syndrome; BAP1 tumor predisposition syndrome. Identifiers: Orphanet 289539, MedGen C3280492, MONDO:0013692, OMIM 614327.

Allele frequency attached by ClinVar (database versions not stated): gnomAD exomes below 0.00001; ExAC 0.00001.

Submissions (2):

Labcorp Genetics (formerly Invitae), Labcorp
Classification: Uncertain significance for BAP1-related tumor predisposition syndrome. Last evaluated: 2024-08-28. Review status: criteria provided, single submitter. Criteria: Invitae Variant Classification Sherloc (09022015). Collection method: clinical testing. Allele origin: germline.
Comment: This sequence change replaces phenylalanine, which is neutral and non-polar, with leucine, which is neutral and non-polar, at codon 82 of the BAP1 protein (p.Phe82Leu). This variant is not present in population databases (gnomAD no frequency). This variant has not been reported in the literature in individuals affected with BAP1-related conditions. ClinVar contains an entry for this variant (Variation ID: 950356). Invitae Evidence Modeling of protein sequence and biophysical properties (such as structural, functional, and spatial information, amino acid conservation, physicochemical variation, residue mobility, and thermodynamic stability) indicates that this missense variant is expected to disrupt BAP1 protein function with a positive predictive value of 80%. In summary, the available evidence is currently insufficient to determine the role of this variant in disease. Therefore, it has been classified as a Variant of Uncertain Significance.

Ambry Genetics
Classification: Uncertain significance for Hereditary cancer-predisposing syndrome. Last evaluated: 2024-07-24. Review status: criteria provided, single submitter. Criteria: Ambry Variant Classification Scheme 2023. Collection method: clinical testing. Allele origin: germline.
Comment: The p.F82L variant (also known as c.246T>G), located in coding exon 4 of the BAP1 gene, results from a T to G substitution at nucleotide position 246. The phenylalanine at codon 82 is replaced by leucine, an amino acid with highly similar properties. This amino acid position is conserved. In addition, this alteration is predicted to be deleterious by in silico analysis. Based on the available evidence, the clinical significance of this variant remains unclear.

NM_004656.4(BAP1):c.246T>G (p.Phe82Leu)

Gene: BAP1 (BRCA1 associated deubiquitinase 1; minus strand). Cytogenetic location: 3p21.1.
Variant type: single nucleotide variant.
Coding change: c.246T>G on transcript NM_004656.4 (MANE Select); coding-DNA position 246, T replaced by G.
Protein change: p.Phe82Leu; replaces phenylalanine 82 with leucine.
Molecular consequence: missense variant.
Genome position (GRCh38, 1-based): chr3:52,408,483, A>C on the plus strand (T>G on the coding strand, the complement: BAP1 is on the minus strand). VCF-style: chr3-52408483-A-C. GRCh37 (hg19) VCF-style: chr3-52442499-A-C.
Other names: c.246T>G (NM_004656.2); short protein forms F82L.
Identifiers: ClinVar variation 950356 (VCV000950356.8), dbSNP rs750028147, ClinGen allele CA2437153.